The following is an entry in ClinVar:

NM_003907.3(EIF2B5):c.487_492del (p.Arg163_Ala164del)

Gene: EIF2B5 (eukaryotic translation initiation factor 2B subunit epsilon; plus strand). Cytogenetic location: 3q27.1.
Variant type: Deletion.
Coding change: c.487_492del on transcript NM_003907.3 (MANE Select); coding-DNA positions 487 to 492, 6 bases deleted (AGAGCC; older notation c.487_492delAGAGCC).
Protein change: p.Arg163_Ala164del.
Molecular consequence: inframe deletion.
Genome position (GRCh38, 1-based): chr3:184,137,786-184,137,791, AGAGCC deleted; deleting any 6 consecutive bases within chr3:184,137,784-184,137,791 gives the same sequence; the c. name uses the placement nearest the transcript's 3' end. VCF-style (leftmost placement, unchanged base first): chr3-184137783-ACCAGAG-A. GRCh37 (hg19) VCF-style: chr3-183855571-ACCAGAG-A.
Identifiers: ClinVar variation 1993243 (VCV001993243.4), dbSNP rs2473661307, ClinGen allele CA2580070482.
Genomic context (GRCh38, chr3:184,137,783, plus strand): 5'-GCTTTGGTGCGCTCTGACTTTCTTCTGGTGTATGGGGATGTCATCTCAAACATCAATATC[ACCAGAG>A]CCCTTGAGGAACACAGGTCAGGATGGGAAAATGACAGGAACAAGGGTTAAAGACCAGCAG-3'

ClinVar aggregate classification (germline): Uncertain significance (1 of 4 stars; one submission).

Submission:

Labcorp Genetics (formerly Invitae), Labcorp
Classification: Uncertain significance. Last evaluated: 2022-05-12. Review status: criteria provided, single submitter. Criteria: Invitae Variant Classification Sherloc (09022015). Collection method: clinical testing. Allele origin: germline.
Comment: This variant, c.487_492del, results in the deletion of 2 amino acid(s) of the EIF2B5 protein (p.Arg163_Ala164del), but otherwise preserves the integrity of the reading frame. In summary, the available evidence is currently insufficient to determine the role of this variant in disease. Therefore, it has been classified as a Variant of Uncertain Significance. Experimental studies and prediction algorithms are not available or were not evaluated, and the functional significance of this variant is currently unknown. This variant has not been reported in the literature in individuals affected with EIF2B5-related conditions. This variant is not present in population databases (gnomAD no frequency).